The following is an entry in ClinVar:

NM_015001.3(SPEN):c.6641_6642del (p.Glu2214fs)

Gene: SPEN (spen family transcriptional repressor; plus strand). Cytogenetic location: 1p36.13.
Variant type: Microsatellite.
Coding change: c.6641_6642del on transcript NM_015001.3 (MANE Select); coding-DNA positions 6641 to 6642, 2 bases deleted (AG; older notation c.6641_6642delAG).
Protein change: p.Glu2214fs; shifts the reading frame from glutamic acid 2214.
Molecular consequence: frameshift variant.
Genome position (GRCh38, 1-based): chr1:15,932,881-15,932,882, AG deleted; deleting any 2 consecutive bases within chr1:15,932,879-15,932,882 gives the same sequence; the c. name uses the placement nearest the transcript's 3' end. VCF-style (leftmost placement, unchanged base first): chr1-15932878-CAG-C. GRCh37 (hg19) VCF-style: chr1-16259373-CAG-C.
Other names: short protein forms E2214fs.
Identifiers: ClinVar variation 985476 (VCV000985476.7), dbSNP rs2071236139, ClinGen allele CA645512437.
Genomic context (GRCh38, chr1:15,932,878, plus strand): 5'-ATGCACCAGAGGGCCTTGCCCCAGAGGACAGGGACAAGCCTGCACACCAAGCAAGTGAAA[CAG>C]AGCTGGCTGCGGCCATCGGCTCCATCATCAATGACATTTCTGGGGAGCCAGAAAACTTCC-3'

ClinVar aggregate classification (germline): Pathogenic. Review status: criteria provided, multiple submitters, no conflicts (2 of 4 stars). 2 submissions from 2 submitters: Pathogenic (2). Last evaluated 2021-10-27.

Conditions:
Inborn genetic diseases. Identifiers: MedGen C0950123, MeSH D030342.

Submissions (2):

Ambry Genetics
Classification: Pathogenic for Inborn genetic diseases. Last evaluated: 2021-10-27. Review status: criteria provided, single submitter. Criteria: Ambry Variant Classification Scheme 2023. Collection method: clinical testing. Allele origin: germline.
Comment: The c.6641_6642delAG (p.E2214Afs*11) alteration, located in coding exon 11 of the SPEN gene, results from a deletion of 2 nucleotides from position 6641 to 6642, causing a translational frameshift with a predicted alternate stop codon after 11 amino acids. This alteration is expected to result in loss of function by premature protein truncation or nonsense-mediated mRNA decay. This variant was not reported in population-based cohorts in the Genome Aggregation Database (gnomAD). This alteration has been reported de novo in a patient with global developmental delay, hypotonia, autism, episodic hyperkinetic movements, precocious puberty, connective tissue features, and dysmorphic features (Radio, 2021). Based on the available evidence, this alteration is classified as pathogenic.

Tartaglia Lab, Genetics and Rare Diseases Research Division, Bambino Gesu' Children's Hospital
Classification: Pathogenic. Last evaluated: 2020-12-03. Review status: criteria provided, single submitter. Criteria: ACMG Guidelines, 2015. Collection method: research. Allele origin: de novo. Affected: yes. Observed: 1 variant allele.